The following is an entry in ClinVar:

ClinVar aggregate classification (germline): Uncertain significance (1 of 4 stars; one submission).

gnomAD v4.1: 8 of 1,614,042 alleles (0.0005%); highest among the groups gnomAD compares: Non-Finnish European, 0.00068%; no homozygotes.

Submission:

Labcorp Genetics (formerly Invitae), Labcorp
Classification: Uncertain significance. Last evaluated: 2025-08-11. Review status: criteria provided, single submitter. Criteria: Invitae Variant Classification Sherloc (09022015). Collection method: clinical testing. Allele origin: germline.
Comment: This sequence change replaces arginine, which is basic and polar, with tryptophan, which is neutral and slightly polar, at codon 639 of the CACNA1D protein (p.Arg639Trp). This variant is present in population databases (no rsID available, gnomAD 0.0009%). This variant has not been reported in the literature in individuals affected with CACNA1D-related conditions. Invitae Evidence Modeling of protein sequence and biophysical properties (such as structural, functional, and spatial information, amino acid conservation, physicochemical variation, residue mobility, and thermodynamic stability) indicates that this missense variant is expected to disrupt CACNA1D protein function with a positive predictive value of 80%. In summary, the available evidence is currently insufficient to determine the role of this variant in disease. Therefore, it has been classified as a Variant of Uncertain Significance.

NM_001128840.3(CACNA1D):c.1855C>T (p.Arg619Trp)

Gene: CACNA1D (calcium voltage-gated channel subunit alpha1 D; plus strand). Cytogenetic location: 3p21.1.
Variant type: single nucleotide variant.
Coding change: c.1855C>T on transcript NM_001128840.3 (MANE Select); coding-DNA position 1855, C replaced by T.
Protein change: p.Arg619Trp; replaces arginine 619 with tryptophan.
Molecular consequence: missense variant.
Genome position (GRCh38, 1-based): chr3:53,723,622, C>T. VCF-style: chr3-53723622-C-T. GRCh37 (hg19) VCF-style: chr3-53757649-C-T.
Other names: c.1915C>T, p.Arg639Trp (NM_000720.4); c.1855C>T, p.Arg619Trp (NM_001128839.3); short protein forms R619W, R639W.
Identifiers: ClinVar variation 4806610 (VCV004806610.1).